The following is an entry in ClinVar:

ClinVar aggregate classification (germline): Pathogenic (1 of 4 stars; one submission).

Submission:

Labcorp Genetics (formerly Invitae), Labcorp
Classification: Pathogenic. Last evaluated: 2022-05-27. Review status: criteria provided, single submitter. Criteria: Invitae Variant Classification Sherloc (09022015). Collection method: clinical testing. Allele origin: germline.
Comment: For these reasons, this variant has been classified as Pathogenic. This variant disrupts a region of the EYS protein in which other variant(s) (p.Gly843Glu) have been determined to be pathogenic (PMID: 22302105, 31814702; Invitae). This suggests that this is a clinically significant region of the protein, and that variants that disrupt it are likely to be disease-causing. This variant has not been reported in the literature in individuals affected with EYS-related conditions. This variant is a gross deletion of the genomic region encompassing exon(s) 14-26 of the EYS gene. This variant would be expected to be in-frame, preserving the integrity of the reading frame.

Literature cited by the submitters: PubMed 22302105; PubMed 31814702.

NC_000006.11:g.(?_65300106)_(65707606_?)del

Gene: EYS (eyes shut homolog; minus strand). Cytogenetic location: 6q12.
Variant type: Deletion.
Identifiers: ClinVar variation 1515695 (VCV001515695.7).